The following is an entry in ClinVar:

NM_001282225.2(ADA2):c.1430T>C (p.Met477Thr)

Gene: ADA2 (adenosine deaminase 2; minus strand). Cytogenetic location: 22q11.1.
Variant type: single nucleotide variant.
Coding change: c.1430T>C on transcript NM_001282225.2 (MANE Select); coding-DNA position 1430, T replaced by C.
Protein change: p.Met477Thr; replaces methionine 477 with threonine.
Molecular consequence: missense variant.
Genome position (GRCh38, 1-based): chr22:17,181,832, A>G on the plus strand (T>C on the coding strand, the complement: ADA2 is on the minus strand). VCF-style: chr22-17181832-A-G. GRCh37 (hg19) VCF-style: chr22-17662722-A-G.
Other names: c.1430T>C, p.Met477Thr (NM_001282226.2); c.1304T>C, p.Met435Thr (NM_001282227.2, NM_001282228.2); c.1070T>C, p.Met357Thr (NM_001282229.2); c.707T>C, p.Met236Thr (NM_177405.3); short protein forms M236T, M357T, M435T, M477T.
Identifiers: ClinVar variation 1428288 (VCV001428288.9), dbSNP rs369910191, ClinGen allele CA10087875.

ClinVar aggregate classification (germline): Uncertain significance. Review status: criteria provided, multiple submitters, no conflicts (2 of 4 stars). 2 submissions from 2 submitters: Uncertain significance (2). Last evaluated 2025-06-02.

Conditions:
Sneddon syndrome (SNDNS). Also called: LIVEDO RETICULARIS AND CEREBROVASCULAR ACCIDENTS; Idiopathic livedo reticularis with systemic involvement. Identifiers: Orphanet 820, MedGen C0282492, MONDO:0008436, OMIM 182410.
Deficiency of adenosine deaminase 2. Also called: Polyarteritis nodosa, childhoood-onset; Adenosine Deaminase 2 Deficiency; VASCULITIS, AUTOINFLAMMATION, IMMUNODEFICIENCY, AND HEMATOLOGIC DEFECTS SYNDROME. Identifiers: Orphanet 404553, MedGen C3887654, MONDO:0014306, OMIM 615688, MONDO:0100317.

Allele frequency attached by ClinVar (database versions not stated): ESP Exome Variant Server 0.00008; gnomAD exomes below 0.00001 and 0.00001; gnomAD 0.00001; TOPMed 0.00001; ExAC 0.00002.

Submissions (2):

Labcorp Genetics (formerly Invitae), Labcorp
Classification: Uncertain significance for Deficiency of adenosine deaminase 2. Last evaluated: 2025-06-02. Review status: criteria provided, single submitter. Criteria: Invitae Variant Classification Sherloc (09022015). Collection method: clinical testing. Allele origin: germline.
Comment: This sequence change replaces methionine, which is neutral and non-polar, with threonine, which is neutral and polar, at codon 477 of the ADA2 protein (p.Met477Thr). This variant is present in population databases (rs369910191, gnomAD 0.01%). This variant has not been reported in the literature in individuals affected with ADA2-related conditions. ClinVar contains an entry for this variant (Variation ID: 1428288). Invitae Evidence Modeling of protein sequence and biophysical properties (such as structural, functional, and spatial information, amino acid conservation, physicochemical variation, residue mobility, and thermodynamic stability) indicates that this missense variant is not expected to disrupt ADA2 protein function with a negative predictive value of 95%. In summary, the available evidence is currently insufficient to determine the role of this variant in disease. Therefore, it has been classified as a Variant of Uncertain Significance.

Fulgent Genetics
Classification: Uncertain significance for Sneddon syndrome; Deficiency of adenosine deaminase 2. Last evaluated: 2021-08-03. Review status: criteria provided, single submitter. Criteria: ACMG Guidelines, 2015. Collection method: clinical testing. Allele origin: unknown.